The following is an entry in ClinVar:

NM_014806.5(RUSC2):c.2044C>T (p.Arg682Cys)

Gene: RUSC2 (RUN and SH3 domain containing 2; plus strand). Cytogenetic location: 9p13.3.
Variant type: single nucleotide variant.
Coding change: c.2044C>T on transcript NM_014806.5 (MANE Select); coding-DNA position 2044, C replaced by T.
Protein change: p.Arg682Cys; replaces arginine 682 with cysteine.
Molecular consequence: missense variant. On other transcripts: 5 prime UTR variant (1), non-coding transcript variant (1).
Genome position (GRCh38, 1-based): chr9:35,555,089, C>T. VCF-style: chr9-35555089-C-T. GRCh37 (hg19) VCF-style: chr9-35555086-C-T.
Other names: c.2044C>T, p.Arg682Cys (NM_001135999.2); c.-591C>T (NM_001330740.2); short protein forms R682C.
Identifiers: ClinVar variation 1486929 (VCV001486929.8), dbSNP rs771012780, ClinGen allele CA5043797.

ClinVar aggregate classification (germline): Uncertain significance (1 of 4 stars; one submission).

Allele frequency attached by ClinVar (database versions not stated): gnomAD exomes below 0.00001; ExAC 0.00001; gnomAD 0.00001; TOPMed 0.00001.
gnomAD v4.1: 8 of 1,613,252 alleles (0.0005%); highest among the groups gnomAD compares: South Asian, 0.0011%; no homozygotes.

Submission:

Labcorp Genetics (formerly Invitae), Labcorp
Classification: Uncertain significance. Last evaluated: 2023-10-16. Review status: criteria provided, single submitter. Criteria: Invitae Variant Classification Sherloc (09022015). Collection method: clinical testing. Allele origin: germline.
Comment: This sequence change replaces arginine, which is basic and polar, with cysteine, which is neutral and slightly polar, at codon 682 of the RUSC2 protein (p.Arg682Cys). The frequency data for this variant in the population databases is considered unreliable, as metrics indicate poor data quality at this position in the gnomAD database. This variant has not been reported in the literature in individuals affected with RUSC2-related conditions. ClinVar contains an entry for this variant (Variation ID: 1486929). An algorithm developed to predict the effect of missense changes on protein structure and function (PolyPhen-2) suggests that this variant is likely to be disruptive. In summary, the available evidence is currently insufficient to determine the role of this variant in disease. Therefore, it has been classified as a Variant of Uncertain Significance.